The following is an entry in ClinVar:

NM_025191.4(EDEM3):c.666A>G (p.Thr222=)

Gene: EDEM3 (ER degradation enhancing alpha-mannosidase like protein 3; minus strand). Cytogenetic location: 1q25.3.
Variant type: single nucleotide variant.
Coding change: c.666A>G on transcript NM_025191.4 (MANE Select); coding-DNA position 666, A replaced by G.
Protein change: p.Thr222=; no amino-acid change (threonine 222 retained).
Molecular consequence: synonymous variant. On other transcripts: non-coding transcript variant (1).
Genome position (GRCh38, 1-based): chr1:184,726,336, T>C on the plus strand (A>G on the coding strand, the complement: EDEM3 is on the minus strand). VCF-style: chr1-184726336-T-C. GRCh37 (hg19) VCF-style: chr1-184695470-T-C.
Other names: c.666A>G, p.Thr222= (NM_001319960.2).
Identifiers: ClinVar variation 2639634 (VCV002639634.24), dbSNP rs111881385, ClinGen allele CA1287595.

ClinVar aggregate classification (germline): Likely benign (1 of 4 stars; one submission).

Allele frequency attached by ClinVar (database versions not stated): gnomAD exomes 0.00012; ExAC 0.00035; 1000 Genomes Project 30x 0.00047; 1000 Genomes Project 0.00060; gnomAD 0.00131; TOPMed 0.00149; ESP Exome Variant Server 0.00154.
gnomAD v4.1: 383 of 1,613,914 alleles (0.024%); highest among the groups gnomAD compares: African/African-American, 0.44%; 2 homozygotes.

Submission:

CeGaT Center for Human Genetics Tuebingen
Classification: Likely benign. Last evaluated: 2022-08-01. Review status: criteria provided, single submitter. Criteria: CeGaT Center For Human Genetics Tuebingen Variant Classification Criteria Version 2. Collection method: clinical testing. Allele origin: germline. Affected: yes. Observed: 1 variant allele.
Comment: EDEM3: BP4, BP7